The following is an entry in ClinVar:

ClinVar aggregate classification (germline): Pathogenic (1 of 4 stars; one submission).

Conditions:
Primary ciliary dyskinesia 23 (CILD23). Also called: CILIARY DYSKINESIA, PRIMARY, 23, WITH OR WITHOUT SITUS INVERSUS. Identifiers: Orphanet 244, MedGen C3809548, MONDO:0014193, OMIM 615451.

Submission:

Labcorp Genetics (formerly Invitae), Labcorp
Classification: Pathogenic for Primary ciliary dyskinesia 23. Last evaluated: 2025-12-30. Review status: criteria provided, single submitter. Criteria: Invitae Variant Classification Sherloc (09022015). Collection method: clinical testing. Allele origin: germline.
Comment: This sequence change creates a premature translational stop signal (p.Thr296Hisfs*3) in the ARMC4 gene. It is expected to result in an absent or disrupted protein product. Loss-of-function variants in ARMC4 are known to be pathogenic (PMID: 23849778). This variant is not present in population databases (gnomAD no frequency). This variant has not been reported in the literature in individuals affected with ARMC4-related conditions. Algorithms developed to predict the effect of sequence changes on RNA splicing suggest that this variant may disrupt the consensus splice site. For these reasons, this variant has been classified as Pathogenic.

Literature cited by the submitters: PubMed 23849778.

NM_018076.5(ODAD2):c.886del (p.Thr296fs)

Gene: ODAD2 (outer dynein arm docking complex subunit 2; minus strand). Cytogenetic location: 10p12.1.
Variant type: Deletion.
Coding change: c.886del on transcript NM_018076.5 (MANE Select); coding-DNA position 886, one base deleted (A; older notation c.886delA).
Protein change: p.Thr296fs; shifts the reading frame from threonine 296.
Molecular consequence: frameshift variant. On other transcripts: 5 prime UTR variant (2).
Genome position (GRCh38, 1-based): chr10:27,981,516, T deleted on the plus strand (A on the coding strand, the reverse complement: ODAD2 is on the minus strand). VCF-style (leftmost placement, unchanged base first): chr10-27981515-GT-G. GRCh37 (hg19) VCF-style: chr10-28270444-GT-G.
Other names: c.886del, p.Thr296fs (NM_001290020.2); c.-238del (NM_001290021.2); c.-39del (NM_001312689.2); short protein forms T296fs.
Identifiers: ClinVar variation 4717368 (VCV004717368.1).
Genomic context (GRCh38, chr10:27,981,515, plus strand): 5'-ATAAAACTTACCAATTTAGACATATTTTCTGAAAATTTTGGTGATTTTTCTCTTAAAAAT[GT>G]GACAAGGTTTTTATAAATTGAACCTTTTCTCTCATAATTAACGTCCCCTTCATCATCTGT-3'